The following is an entry in ClinVar:

ClinVar aggregate classification (germline): Uncertain significance. Review status: criteria provided, multiple submitters, no conflicts (2 of 4 stars). 3 submissions from 3 submitters: Uncertain significance (3). Last evaluated 2025-09-11.

Conditions:
Familial hypercholesterolemia. Also called: Familial hypercholesterolemias; Familial hypercholesterolaemia. Identifiers: MedGen C0020445, MONDO:0005439.
Cardiovascular phenotype. Identifiers: MedGen CN230736.
Familial hypobetalipoproteinemia 1. Also called: Hypobetalipoproteinemia, normotriglyceridemic; Acanthocytosis with hypobetalipoproteinemia; APOB-Related Familial Hypobetalipoproteinemia. Identifiers: MedGen C4551990, MONDO:0014252, OMIM 615558.
Hypercholesterolemia, autosomal dominant, type B (FHCL2). Also called: Familial Hypercholesterolemia Type B; HYPERCHOLESTEROLEMIA, FAMILIAL, DUE TO LIGAND-DEFECTIVE APOLIPOPROTEIN B; Familial hypercholesterolemia 2; APOB-Related Familial Hypercholesterolemia, Autosomal Dominant; APOLIPOPROTEIN B-100, FAMILIAL DEFECTIVE; APOLIPOPROTEIN B-100, FAMILIAL LIGAND-DEFECTIVE. Identifiers: MedGen C1704417, MONDO:0007751, OMIM 144010.

Allele frequency attached by ClinVar (database versions not stated): ESP Exome Variant Server 0.00008; gnomAD exomes below 0.00001; ExAC 0.00001; gnomAD 0.00003; TOPMed 0.00004.
gnomAD v4.1: 38 of 1,613,686 alleles (0.0024%); highest among the groups gnomAD compares: African/African-American, 0.0053%; no homozygotes.

Submissions (3):

Cambridge Genomics Laboratory, East Genomic Laboratory Hub, NHS Genomic Medicine Service
Classification: Uncertain significance for Familial hypercholesterolaemia. Last evaluated: 2025-09-11. Review status: criteria provided, single submitter. Criteria: ACGS Best Practice Guidelines for Variant Classification in Rare Disease 2020. Collection method: clinical testing. Allele origin: germline. Affected: yes.
Comment: PM1,PM2_Supporting,PP4

Ambry Genetics
Classification: Uncertain significance for Cardiovascular phenotype. Last evaluated: 2022-02-10. Review status: criteria provided, single submitter. Criteria: Ambry Variant Classification Scheme 2023. Collection method: clinical testing. Allele origin: germline.

Labcorp Genetics (formerly Invitae), Labcorp
Classification: Uncertain significance for Familial hypobetalipoproteinemia 1; Hypercholesterolemia, autosomal dominant, type B. Last evaluated: 2021-08-31. Review status: criteria provided, single submitter. Criteria: Invitae Variant Classification Sherloc (09022015). Collection method: clinical testing. Allele origin: germline.
Comment: This sequence change replaces valine with leucine at codon 3192 of the APOB protein (p.Val3192Leu). The valine residue is weakly conserved and there is a small physicochemical difference between valine and leucine. This variant is present in population databases (rs367631875, ExAC 0.002%). This variant has not been reported in the literature in individuals affected with APOB-related conditions. Algorithms developed to predict the effect of missense changes on protein structure and function (SIFT, PolyPhen-2, Align-GVGD) all suggest that this variant is likely to be tolerated. In summary, the available evidence is currently insufficient to determine the role of this variant in disease. Therefore, it has been classified as a Variant of Uncertain Significance.

NM_000384.3(APOB):c.9574G>T (p.Val3192Leu)

Gene: APOB (apolipoprotein B; minus strand). Cytogenetic location: 2p24.1.
Variant type: single nucleotide variant.
Coding change: c.9574G>T on transcript NM_000384.3 (MANE Select); coding-DNA position 9574, G replaced by T.
Protein change: p.Val3192Leu; replaces valine 3192 with leucine.
Molecular consequence: missense variant.
Genome position (GRCh38, 1-based): chr2:21,007,294, C>A on the plus strand (G>T on the coding strand, the complement: APOB is on the minus strand). VCF-style: chr2-21007294-C-A. GRCh37 (hg19) VCF-style: chr2-21230166-C-A.
Other names: short protein forms V3192L.
Identifiers: ClinVar variation 933358 (VCV000933358.12), dbSNP rs367631875, ClinGen allele CA066675.
Genomic context (GRCh38, chr2:21,007,294, plus strand): 5'-TGTTTTTTTCAAAATGCCTGTCAAAGGATTTGATGCTCTGACTGATAAACTCACAAAGCA[C>A]AGCCAAAGGATTTGTGATGGAATGCCTGTGTTTGTTTTTCTTATACTGAGCTTTTACACT-3'
Protein context (NP_000375.3, residues 3182-3202): HRHSITNPLA[Val3192Leu]LCEFISQSIK